The following is an entry in ClinVar:

NM_003922.4(HERC1):c.316C>T (p.Arg106Ter)

Gene: HERC1 (HECT and RLD domain containing E3 ubiquitin protein ligase family member 1; minus strand). Cytogenetic location: 15q22.31.
Variant type: single nucleotide variant.
Coding change: c.316C>T on transcript NM_003922.4 (MANE Select); coding-DNA position 316, C replaced by T.
Protein change: p.Arg106Ter; replaces arginine 106 with a stop codon.
Molecular consequence: nonsense.
Genome position (GRCh38, 1-based): chr15:63,775,308, G>A on the plus strand (C>T on the coding strand, the complement: HERC1 is on the minus strand). VCF-style: chr15-63775308-G-A. GRCh37 (hg19) VCF-style: chr15-64067507-G-A.
Other names: short protein forms R106*.
Identifiers: ClinVar variation 1074278 (VCV001074278.7), dbSNP rs2142998794, ClinGen allele CA392806809.

ClinVar aggregate classification (germline): Pathogenic (1 of 4 stars; one submission).

Allele frequency attached by ClinVar (database versions not stated): gnomAD exomes below 0.00001.

Submission:

Labcorp Genetics (formerly Invitae), Labcorp
Classification: Pathogenic. Last evaluated: 2017-07-29. Review status: criteria provided, single submitter. Criteria: Invitae Variant Classification Sherloc (09022015). Collection method: clinical testing. Allele origin: germline.
Comment: This variant is not present in population databases (ExAC no frequency). For these reasons, this variant has been classified as Pathogenic. Loss-of-function variants in HERC1 are known to be pathogenic (PMID: 26153217, 26138117, 27108999). This variant has not been reported in the literature in individuals with HERC1-related disease. This sequence change creates a premature translational stop signal (p.Arg106*) in the HERC1 gene. It is expected to result in an absent or disrupted protein product.

Literature cited by the submitters: PubMed 26153217; PubMed 26138117; PubMed 27108999.